The following is an entry in ClinVar:

ClinVar aggregate classification (germline): Conflicting classifications of pathogenicity. Review status: criteria provided, conflicting classifications (1 of 4 stars). 6 submissions from 6 submitters: Uncertain significance (4); Likely benign (2). Last evaluated 2025-12-28.

Conditions:
Familial meningioma. Also called: Meningioma, familial, susceptibility to. Identifiers: Orphanet 263662, MedGen C3551915, MONDO:0011789, OMIM 607174.
Coffin-Siris syndrome 5 (CSS5). Identifiers: Orphanet 1465, MedGen C4310788, MONDO:0014838, OMIM 616938.
Hereditary cancer-predisposing syndrome. Also called: Neoplastic Syndromes, Hereditary; Hereditary neoplastic syndrome; Tumor predisposition; Hereditary Cancer Syndrome. Identifiers: Orphanet 140162, MedGen C0027672, MeSH D009386, MONDO:0015356.

Allele frequency attached by ClinVar (database versions not stated): gnomAD 0.00004; gnomAD exomes 0.00004; TOPMed 0.00005; ExAC 0.00006; ESP Exome Variant Server 0.00008.
gnomAD v4.1: 99 of 1,613,990 alleles (0.0061%); highest among the groups gnomAD compares: East Asian, 0.029%; no homozygotes.

Submissions (6):

Labcorp Genetics (formerly Invitae), Labcorp
Classification: Uncertain significance for Familial meningioma. Last evaluated: 2025-12-28. Review status: criteria provided, single submitter. Criteria: Invitae Variant Classification Sherloc (09022015). Collection method: clinical testing. Allele origin: germline.
Comment: This sequence change replaces alanine, which is neutral and non-polar, with threonine, which is neutral and polar, at codon 308 of the SMARCE1 protein (p.Ala308Thr). This variant is present in population databases (rs372988818, gnomAD 0.007%). This variant has not been reported in the literature in individuals affected with SMARCE1-related conditions. ClinVar contains an entry for this variant (Variation ID: 407075). Invitae Evidence Modeling of protein sequence and biophysical properties (such as structural, functional, and spatial information, amino acid conservation, physicochemical variation, residue mobility, and thermodynamic stability) indicates that this missense variant is not expected to disrupt SMARCE1 protein function with a negative predictive value of 80%. In summary, the available evidence is currently insufficient to determine the role of this variant in disease. Therefore, it has been classified as a Variant of Uncertain Significance.

CeGaT Center for Human Genetics Tuebingen
Classification: Likely benign. Last evaluated: 2024-10-01. Review status: criteria provided, single submitter. Criteria: CeGaT Center For Human Genetics Tuebingen Variant Classification Criteria Version 2. Collection method: clinical testing. Allele origin: germline. Affected: yes. Observed: 1 variant allele.
Comment: SMARCE1: BP4, BS2

Department of Pathology and Laboratory Medicine, Sinai Health System
Classification: Uncertain significance for Familial meningioma; Coffin-Siris syndrome 5. Last evaluated: 2024-09-19. Review status: criteria provided, single submitter. Criteria: ACMG Guidelines, 2015. Collection method: clinical testing. Allele origin: germline.

GeneDx
Classification: Uncertain significance. Last evaluated: 2024-03-01. Review status: criteria provided, single submitter. Criteria: GeneDx Variant Classification Process June 2021. Collection method: clinical testing. Allele origin: germline.
Comment: In silico analysis supports that this missense variant does not alter protein structure/function; Has not been previously published as pathogenic or benign to our knowledge

Baylor Genetics
Classification: Uncertain significance for Familial meningioma. Last evaluated: 2023-07-21. Review status: criteria provided, single submitter. Criteria: ACMG Guidelines, 2015. Collection method: clinical testing. Allele origin: unknown.

Ambry Genetics
Classification: Likely benign for Hereditary cancer-predisposing syndrome. Last evaluated: 2023-01-09. Review status: criteria provided, single submitter. Criteria: Ambry Variant Classification Scheme 2023. Collection method: clinical testing. Allele origin: germline.

NM_003079.5(SMARCE1):c.922G>A (p.Ala308Thr)

Gene: SMARCE1 (SWI/SNF related BAF chromatin remodeling complex subunit E1; minus strand). Cytogenetic location: 17q21.2.
Variant type: single nucleotide variant.
Coding change: c.922G>A on transcript NM_003079.5 (MANE Select); coding-DNA position 922, G replaced by A.
Protein change: p.Ala308Thr; replaces alanine 308 with threonine.
Molecular consequence: missense variant.
Genome position (GRCh38, 1-based): chr17:40,630,819, C>T on the plus strand (G>A on the coding strand, the complement: SMARCE1 is on the minus strand). VCF-style: chr17-40630819-C-T. GRCh37 (hg19) VCF-style: chr17-38787071-C-T.
Other names: short protein forms A308T.
Identifiers: ClinVar variation 407075 (VCV000407075.31), dbSNP rs372988818, ClinGen allele CA8545138.